The following is an entry in ClinVar:

NM_015015.3(KDM4B):c.559G>A (p.Ala187Thr)

Gene: KDM4B (lysine demethylase 4B; plus strand). Cytogenetic location: 19p13.3.
Variant type: single nucleotide variant.
Coding change: c.559G>A on transcript NM_015015.3 (MANE Select); coding-DNA position 559, G replaced by A.
Protein change: p.Ala187Thr; replaces alanine 187 with threonine.
Molecular consequence: missense variant.
Genome position (GRCh38, 1-based): chr19:5,047,602, G>A. VCF-style: chr19-5047602-G-A. GRCh37 (hg19) VCF-style: chr19-5047613-G-A.
Other names: c.559G>A, p.Ala187Thr (NM_001370093.1, NM_001370094.1, NM_001411148.1); short protein forms A187T.
Identifiers: ClinVar variation 4622782 (VCV004622782.2).

ClinVar aggregate classification (germline): Uncertain significance. Review status: criteria provided, multiple submitters, no conflicts (2 of 4 stars). 2 submissions from 2 submitters: Uncertain significance (2). Last evaluated 2025-09-22.

Conditions:
Inborn genetic diseases. Identifiers: MedGen C0950123, MeSH D030342.

gnomAD v4.1: 7 of 1,614,026 alleles (0.00043%); highest among the groups gnomAD compares: South Asian, 0.0011%; no homozygotes.

Submissions (2):

Ambry Genetics
Classification: Uncertain significance for Inborn genetic diseases. Last evaluated: 2025-09-22. Review status: criteria provided, single submitter. Criteria: Ambry Variant Classification Scheme 2023. Collection method: clinical testing. Allele origin: germline.
Comment: The c.559G>A (p.A187T) alteration is located in exon 6 (coding exon 4) of the KDM4B gene. This alteration results from a G to A substitution at nucleotide position 559, causing the alanine (A) at amino acid position 187 to be replaced by a threonine (T). Based on data from gnomAD, the A allele has an overall frequency of <0.001% (1/251326) total alleles studied. The highest observed frequency was 0.003% (1/30616) of South Asian alleles. Based on insufficient or conflicting evidence, the clinical significance of this alteration remains unclear.

Blueprint Genetics
Classification: Uncertain significance. Last evaluated: 2023-02-28. Review status: criteria provided, single submitter. Criteria: ACMG Guidelines, 2015. Collection method: clinical testing. Allele origin: germline.